The following is an entry in ClinVar:

ClinVar aggregate classification (germline): Pathogenic. Review status: criteria provided, multiple submitters, no conflicts (2 of 4 stars). 3 submissions from 3 submitters: Pathogenic (3). Last evaluated 2025-06-16.

Conditions:
USH2A-related disorder. Also called: USH2A-related condition; USH2A-related disorders. Identifiers: MedGen CN239332.
Usher syndrome type 2A. Also called: RETINAL DISEASE IN USHER SYNDROME TYPE IIA, MODIFIER OF; USHER SYNDROME, TYPE IIA. Identifiers: Orphanet 231178, Orphanet 886, MedGen C1848634, MONDO:0010169, OMIM 276901.

Submissions (3):

Myriad Genetics, Inc.
Classification: Pathogenic for USH2A-related disorder. Last evaluated: 2025-06-16. Review status: criteria provided, single submitter. Criteria: Myriad Autosomal Dominant, Autosomal Recessive and X-Linked Classification Criteria (2023). Collection method: clinical testing. Allele origin: unknown.
Comment: NM_206933.2(USH2A):c.12708T>A(C4236*) is a nonsense variant classified as pathogenic in the context of USH2A-related disorders. C4236* has been observed in a case with relevant disease (PMID: 21593743). Relevant functional assessments of this variant are not available in the literature. C4236* has not been observed in referenced population frequency databases. In summary, NM_206933.2(USH2A):c.12708T>A(C4236*) is a nonsense variant in a gene where loss of function is a known mechanism of disease, is predicted to disrupt protein function, and has been observed more frequently in cases with the relevant disease than in healthy populations. Please note: this variant was assessed in the context of healthy population screening.

Labcorp Genetics (formerly Invitae), Labcorp
Classification: Pathogenic. Last evaluated: 2025-05-19. Review status: criteria provided, single submitter. Criteria: Invitae Variant Classification Sherloc (09022015). Collection method: clinical testing. Allele origin: germline.
Comment: This sequence change creates a premature translational stop signal (p.Cys4236*) in the USH2A gene. It is expected to result in an absent or disrupted protein product. Loss-of-function variants in USH2A are known to be pathogenic (PMID: 10729113, 10909849, 20507924, 25649381). This variant is not present in population databases (gnomAD no frequency). This premature translational stop signal has been observed in individual(s) with Usher syndrome (PMID: 21593743). ClinVar contains an entry for this variant (Variation ID: 1705473). For these reasons, this variant has been classified as Pathogenic.

3billion
Classification: Pathogenic for Usher syndrome type 2A. Last evaluated: 2022-09-01. Review status: criteria provided, single submitter. Criteria: ACMG Guidelines, 2015. Collection method: clinical testing. Allele origin: germline. Affected: yes. Observed: 1 homozygote.
Comment: The variant is not observed in the gnomAD v2.1.1 dataset. Stop-gained (nonsense) is predicted to result in a loss or disruption of normal protein function through nonsense-mediated decay (NMD) or protein truncation. Multiple pathogenic variants are reported downstream of the variant. The variant has been reported to be associated with USH2A-related disorder (PMID: 21593743 / 3billion dataset). Therefore, this variant is classified as Pathogenic according to the recommendation of ACMG/AMP guideline.

Literature cited by the submitters: PubMed 21593743 (cited by 3 submitters); PubMed 10729113 (cited by Labcorp Genetics (formerly Invitae), Labcorp); PubMed 10909849 (cited by Labcorp Genetics (formerly Invitae), Labcorp); PubMed 20507924 (cited by Labcorp Genetics (formerly Invitae), Labcorp); PubMed 25649381 (cited by Labcorp Genetics (formerly Invitae), Labcorp).

NM_206933.4(USH2A):c.12708T>A (p.Cys4236Ter)

Gene: USH2A (usherin; minus strand). Cytogenetic location: 1q41.
Variant type: single nucleotide variant.
Coding change: c.12708T>A on transcript NM_206933.4 (MANE Select); coding-DNA position 12708, T replaced by A.
Protein change: p.Cys4236Ter; replaces cysteine 4236 with a stop codon.
Molecular consequence: nonsense.
Genome position (GRCh38, 1-based): chr1:215,675,203, A>T on the plus strand (T>A on the coding strand, the complement: USH2A is on the minus strand). VCF-style: chr1-215675203-A-T. GRCh37 (hg19) VCF-style: chr1-215848545-A-T.
Other names: short protein forms C4236*.
Identifiers: ClinVar variation 1705473 (VCV001705473.4), dbSNP rs2464898805, ClinGen allele CA344849692.